The following is an entry in ClinVar:

NM_014264.5(PLK4):c.354C>G (p.His118Gln)

Gene: PLK4 (polo like kinase 4; plus strand). Cytogenetic location: 4q28.1.
Variant type: single nucleotide variant.
Coding change: c.354C>G on transcript NM_014264.5 (MANE Select); coding-DNA position 354, C replaced by G.
Protein change: p.His118Gln; replaces histidine 118 with glutamine.
Molecular consequence: missense variant.
Genome position (GRCh38, 1-based): chr4:127,885,724, C>G. VCF-style: chr4-127885724-C-G. GRCh37 (hg19) VCF-style: chr4-128806879-C-G.
Other names: c.258C>G, p.His86Gln (NM_001190799.2); c.231C>G, p.His77Gln (NM_001190801.2); short protein forms H118Q, H77Q, H86Q.
Identifiers: ClinVar variation 940327 (VCV000940327.6), dbSNP rs148921796, ClinGen allele CA3076567.

ClinVar aggregate classification (germline): Uncertain significance. Review status: criteria provided, multiple submitters, no conflicts (2 of 4 stars). 2 submissions from 2 submitters: Uncertain significance (2). Last evaluated 2025-01-13.

Conditions:
Inborn genetic diseases. Identifiers: MedGen C0950123, MeSH D030342.

Allele frequency attached by ClinVar (database versions not stated): gnomAD exomes 0.00001 and 0.00004; ExAC 0.00007; ESP Exome Variant Server 0.00008; TOPMed 0.00019; gnomAD 0.00020 and 0.00021; 1000 Genomes Project 30x 0.00031; 1000 Genomes Project 0.00040.
gnomAD v4.1: 52 of 1,610,094 alleles (0.0032%); highest among the groups gnomAD compares: African/African-American, 0.06%; no homozygotes.

Submissions (2):

Labcorp Genetics (formerly Invitae), Labcorp
Classification: Uncertain significance. Last evaluated: 2025-01-13. Review status: criteria provided, single submitter. Criteria: Invitae Variant Classification Sherloc (09022015). Collection method: clinical testing. Allele origin: germline.
Comment: This sequence change replaces histidine, which is basic and polar, with glutamine, which is neutral and polar, at codon 118 of the PLK4 protein (p.His118Gln). This variant is present in population databases (rs148921796, gnomAD 0.05%). This variant has not been reported in the literature in individuals affected with PLK4-related conditions. ClinVar contains an entry for this variant (Variation ID: 940327). An algorithm developed to predict the effect of missense changes on protein structure and function (PolyPhen-2) suggests that this variant is likely to be disruptive. In summary, the available evidence is currently insufficient to determine the role of this variant in disease. Therefore, it has been classified as a Variant of Uncertain Significance.

Ambry Genetics
Classification: Uncertain significance for Inborn genetic diseases. Last evaluated: 2022-11-01. Review status: criteria provided, single submitter. Criteria: Ambry Variant Classification Scheme 2023. Collection method: clinical testing. Allele origin: germline.